The following is an entry in ClinVar:

NM_024426.6(WT1):c.99A>G (p.Pro33=)

Genes: WT1 (WT1 transcription factor; minus strand), LOC107982234 (WT1/WT1-AS bi-directional promoter region; plus strand). Cytogenetic location: 11p13.
Variant type: single nucleotide variant.
Coding change: c.99A>G on transcript NM_024426.6 (MANE Select); coding-DNA position 99, A replaced by G.
Protein change: p.Pro33=; no amino-acid change (proline 33 retained).
Molecular consequence: synonymous variant. On other transcripts: non-coding transcript variant (1).
Genome position (GRCh38, 1-based): chr11:32,435,262, T>C on the plus strand (A>G on the coding strand, the complement: WT1 is on the minus strand). VCF-style: chr11-32435262-T-C. GRCh37 (hg19) VCF-style: chr11-32456808-T-C.
Other names: c.99A>G, p.Pro33= (NM_000378.6, NM_024424.5); c.84A>G (NM_024426.4).
Identifiers: ClinVar variation 1113148 (VCV001113148.13), dbSNP rs2133107306, ClinGen allele CA473773314.

ClinVar aggregate classification (germline): Likely benign. Review status: criteria provided, multiple submitters, no conflicts (2 of 4 stars). 4 submissions from 4 submitters: Likely benign (3). 1 of the submissions does not count toward it. Last evaluated 2025-07-22.

Conditions:
Wilms tumor 1 (WT1). Also called: Wilms tumor, somatic. Identifiers: Orphanet 654, MedGen CN033288, MONDO:0008679, OMIM 194070.
11p partial monosomy syndrome (WAGR). Also called: CHROMOSOME 11p13 DELETION SYNDROME; WAGR Complex; WAGR Spectrum Disorder; WAGR syndrome. Identifiers: Orphanet 893, MedGen C0206115, MONDO:0008681, OMIM 194072.
Drash syndrome (DDS). Also called: NEPHROPATHY, WILMS TUMOR, AND GENITAL ANOMALIES; WILMS TUMOR AND PSEUDO- OR TRUE HERMAPHRODITISM. Identifiers: Orphanet 220, MedGen C0950121, MONDO:0008682, OMIM 194080.
Frasier syndrome. Identifiers: Orphanet 347, MedGen C0950122, MeSH D052159, MONDO:0007635, OMIM 136680.
Inborn genetic diseases. Identifiers: MedGen C0950123, MeSH D030342.
WT1-related disorder. Also called: WT1-related disorders. Identifiers: MedGen CN377814.

gnomAD v4.1: 1 of 1,535,458 alleles (0.000065%); no homozygotes.

Submissions (4):

Labcorp Genetics (formerly Invitae), Labcorp
Classification: Likely benign for Wilms tumor 1; Drash syndrome; 11p partial monosomy syndrome; Frasier syndrome. Last evaluated: 2025-07-22. Review status: criteria provided, single submitter. Criteria: Invitae Variant Classification Sherloc (09022015). Collection method: clinical testing. Allele origin: germline.

Ambry Genetics
Classification: Likely benign for Inborn genetic diseases. Last evaluated: 2025-04-25. Review status: criteria provided, single submitter. Criteria: Ambry Variant Classification Scheme 2023. Collection method: clinical testing. Allele origin: germline.

All of Us Research Program, National Institutes of Health
Classification: Likely benign for Wilms tumor 1. Last evaluated: 2023-06-26. Review status: criteria provided, single submitter. Criteria: ACMG Guidelines, 2015. Collection method: clinical testing. Allele origin: germline. Inheritance: Autosomal dominant inheritance. Observed: 1 variant allele, 1 heterozygote.
Comment: This study involves interpretation of variants in research participants for the purpose of population health screening. Participant phenotype was not available at the time of variant classification. Additional details can be found in publication PMID: 35346344, PMCID: PMC8962531

PreventionGenetics, part of Exact Sciences
Classification: Likely benign for WT1-related condition. Last evaluated: 2023-08-25. Review status: no assertion criteria provided. Collection method: clinical testing. Allele origin: germline. Not counted in ClinVar's aggregate classification.
Comment: This variant is classified as likely benign based on ACMG/AMP sequence variant interpretation guidelines (Richards et al. 2015 PMID: 25741868, with internal and published modifications).